The following is an entry in ClinVar:

NM_001077365.2(POMT1):c.699+49A>T

Gene: POMT1 (protein O-mannosyltransferase 1; plus strand). Cytogenetic location: 9q34.13.
Variant type: single nucleotide variant.
Coding change: c.699+49A>T on transcript NM_001077365.2 (MANE Select); 49 bases into the intron after coding-DNA position 699, A replaced by T.
Molecular consequence: intron variant. On other transcripts: missense variant (7), non-coding transcript variant (1).
Genome position (GRCh38, 1-based): chr9:131,510,045, A>T. VCF-style: chr9-131510045-A-T. GRCh37 (hg19) VCF-style: chr9-134385432-A-T.
Other names: c.748A>T (NM_007171.3); c.748A>T, p.Met250Leu (NM_001353193.2, NM_007171.4); c.586A>T, p.Met196Leu (NM_001353197.2, NM_001353198.2, NM_001374689.1); c.397A>T, p.Met133Leu (NM_001353199.2); c.292A>T, p.Met98Leu (NM_001374695.1); c.699+49A>T (NM_001136113.2, NM_001374690.1); c.537+49A>T (NM_001353194.2, NM_001077366.2, NM_001374693.1); c.348+49A>T (NM_001374691.1, NM_001353195.2, NM_001374692.1 and 1 more transcripts); and 2 more; short protein forms M98L, M133L, M196L, M250L.
Identifiers: ClinVar variation 1971255 (VCV001971255.6), dbSNP rs778613780, ClinGen allele CA5293382.

ClinVar aggregate classification (germline): Uncertain significance. Review status: criteria provided, multiple submitters, no conflicts (2 of 4 stars). 2 submissions from 2 submitters: Uncertain significance (2). Last evaluated 2024-06-11.

Conditions:
Inborn genetic diseases. Identifiers: MedGen C0950123, MeSH D030342.
Walker-Warburg congenital muscular dystrophy. Also called: Muscular dystrophy-dystroglycanopathy, type A; Walker-Warburg syndrome. Identifiers: Orphanet 899, MedGen C0265221, MONDO:0000171.
Muscular dystrophy-dystroglycanopathy (congenital with impaired intellectual development), type B, 1. Also called: MUSCULAR DYSTROPHY, CONGENITAL, POMT1-RELATED; Muscular dystrophy-dystroglycanopathy (congenital with intellectual disability), type B1. Identifiers: MedGen C5436962, MONDO:0013159, OMIM 613155.
Autosomal recessive limb-girdle muscular dystrophy type 2K. Also called: MUSCULAR DYSTROPHY-DYSTROGLYCANOPATHY (LIMB-GIRDLE), TYPE C, 1; MUSCULAR DYSTROPHY, LIMB-GIRDLE, TYPE 2K. Identifiers: Orphanet 86812, MedGen C1836373, MONDO:0012248, OMIM 609308.

Allele frequency attached by ClinVar (database versions not stated): gnomAD exomes 0.00001; ExAC 0.00004.
gnomAD v4.1: 7 of 1,614,080 alleles (0.00043%); highest among the groups gnomAD compares: Admixed American, 0.01%; no homozygotes.

Submissions (2):

Ambry Genetics
Classification: Uncertain significance for Inborn genetic diseases. Last evaluated: 2024-06-11. Review status: criteria provided, single submitter. Criteria: Ambry Variant Classification Scheme 2023. Collection method: clinical testing. Allele origin: germline.

Labcorp Genetics (formerly Invitae), Labcorp
Classification: Uncertain significance for Muscular dystrophy-dystroglycanopathy (congenital with impaired intellectual development), type B, 1; Walker-Warburg congenital muscular dystrophy; Autosomal recessive limb-girdle muscular dystrophy type 2K. Last evaluated: 2022-11-15. Review status: criteria provided, single submitter. Criteria: Invitae Variant Classification Sherloc (09022015). Collection method: clinical testing. Allele origin: germline.
Comment: In summary, the available evidence is currently insufficient to determine the role of this variant in disease. Therefore, it has been classified as a Variant of Uncertain Significance. Algorithms developed to predict the effect of missense changes on protein structure and function output the following: SIFT: "Deleterious"; PolyPhen-2: "Benign"; Align-GVGD: "Class C0". The leucine amino acid residue is found in multiple mammalian species, which suggests that this missense change does not adversely affect protein function. This variant has not been reported in the literature in individuals affected with POMT1-related conditions. This variant is present in population databases (rs778613780, gnomAD 0.02%). This sequence change replaces methionine, which is neutral and non-polar, with leucine, which is neutral and non-polar, at codon 250 of the POMT1 protein (p.Met250Leu).